The following is an entry in ClinVar:

ClinVar aggregate classification (germline): Likely benign. Review status: criteria provided, multiple submitters, no conflicts (2 of 4 stars). 2 submissions from 2 submitters: Likely benign (2). Last evaluated 2026-08-27.

Conditions:
OTOF-related disorder. Also called: OTOF-related condition.

Allele frequency attached by ClinVar (database versions not stated): ExAC 0.00001.
gnomAD v4.1: 2 of 1,597,160 alleles (0.00013%); highest among the groups gnomAD compares: East Asian, 0.0045%; no homozygotes.

Submissions (2):

PreventionGenetics, part of Exact Sciences
Classification: Likely benign for OTOF-related condition. Last evaluated: 2026-08-27. Review status: criteria provided, single submitter. Criteria: ACMG Guidelines, 2015. Collection method: clinical testing. Allele origin: germline.
Comment: This variant is classified as likely benign based on ACMG/AMP sequence variant interpretation guidelines (Richards et al. 2015 PMID: 25741868, with internal and published modifications).

Labcorp Genetics (formerly Invitae), Labcorp
Classification: Likely benign. Last evaluated: 2023-06-14. Review status: criteria provided, single submitter. Criteria: Invitae Variant Classification Sherloc (09022015). Collection method: clinical testing. Allele origin: germline.

NM_194248.3(OTOF):c.3409-10C>A

Gene: OTOF (otoferlin; minus strand). Cytogenetic location: 2p23.3.
Variant type: single nucleotide variant.
Coding change: c.3409-10C>A on transcript NM_194248.3 (MANE Select); 10 bases into the intron before coding-DNA position 3409, C replaced by A.
Molecular consequence: intron variant.
Genome position (GRCh38, 1-based): chr2:26,473,577, G>T on the plus strand (C>A on the coding strand, the complement: OTOF is on the minus strand). VCF-style: chr2-26473577-G-T. GRCh37 (hg19) VCF-style: chr2-26696445-G-T.
Other names: c.3409-10C>A (NM_001287489.2, NM_194248.2); c.1168-10C>A (NM_194323.3, NM_004802.4); c.1339-10C>A (NM_194322.3).
Identifiers: ClinVar variation 2867408 (VCV002867408.4), dbSNP rs751889849, ClinGen allele CA1563554.